The following is an entry in ClinVar:

NM_000350.3(ABCA4):c.4139C>T (p.Pro1380Leu)

Gene: ABCA4 (ATP binding cassette subfamily A member 4; minus strand). Cytogenetic location: 1p22.1.
Variant type: single nucleotide variant.
Coding change: c.4139C>T on transcript NM_000350.3 (MANE Select); coding-DNA position 4139, C replaced by T.
Protein change: p.Pro1380Leu; replaces proline 1380 with leucine.
Molecular consequence: missense variant.
Genome position (GRCh38, 1-based): chr1:94,031,110, G>A on the plus strand (C>T on the coding strand, the complement: ABCA4 is on the minus strand). VCF-style: chr1-94031110-G-A. GRCh37 (hg19) VCF-style: chr1-94496666-G-A.
Other names: NP_000341.2:p.(Pro1380Leu); NM_000350.3(ABCA4):c.4139C>T; c.3917C>T, p.Pro1306Leu (NM_001425324.1); short protein forms P1380L, P1306L.
Identifiers: ClinVar variation 7904 (VCV000007904.83), dbSNP rs61750130, ClinGen allele CA129033.
Genomic context (GRCh38, chr1:94,031,110, plus strand): 5'-TATTCGCCAAAAGGAGGGATAACAATAGAAAGCATCAGAGCCAAAAACACAAAGGTAGCC[G>A]GGAGCACGATCTGTGGGAGAATAGACGTGGAATAAACATGACTGTGGCATGGAGATGTCA-3'
Protein context (NP_000341.2, residues 1370-1390): HKDFLAQIVL[Pro1380Leu]ATFVFLALML

ClinVar aggregate classification (germline): Pathogenic. Review status: reviewed by expert panel (3 of 4 stars). 29 submissions from 28 submitters: Pathogenic (1). 28 of the submissions do not count toward it. Last evaluated 2025-12-05.

Conditions:
Mandibulofacial dysostosis with mental deficiency. Also called: MANDIBULOFACIAL DYSOSTOSIS WITH MENTAL RETARDATION. Identifiers: MedGen C4692584, MONDO:0009559, OMIM 248400.
ABCA4-related retinopathy. Also called: ABCA4 retinoapthy; ABCA4-related retinoapthy. Identifiers: MedGen CN322612, MONDO:0800406.
ABCA4-related disorder. Also called: ABCA4-related disorders; ABCA4-related condition. Identifiers: MedGen CN239167.
Cone-rod dystrophy 3 (CORD3). Identifiers: Orphanet 1872, MedGen C1858806, MONDO:0011395, OMIM 604116.
Retinitis pigmentosa 19 (RP19). Also called: ABCA4-Related Retinitis Pigmentosa. Identifiers: Orphanet 791, MedGen C1866422, MONDO:0011137, OMIM 601718.
Severe early-childhood-onset retinal dystrophy (STGD1). Also called: MACULAR DYSTROPHY WITH FLECKS, TYPE 1; Stargardt macular dystrophy; Juvenile onset macular degeneration; Stargardt disease 1; STGD. Identifiers: Orphanet 364055, Orphanet 827, MedGen C1855465, MeSH D000080362, MONDO:0009549, OMIM 248200.
Retinal dystrophy. Also called: Inherited retinal dystrophy. Identifiers: Orphanet 71862, MedGen C0854723, MeSH D058499, MONDO:0019118, HP:0000556.
Age related macular degeneration 2. Also called: MACULAR DEGENERATION, SENILE; MACULOPATHY, AGE-RELATED, 2; MACULOPATHY, AGE-RELATED. Identifiers: MedGen C3495438, MONDO:0007932, OMIM 153800.
Stargardt disease (FFM). Also called: Stargardt's disease; Fundus flavimaculatus. Identifiers: Orphanet 827, MedGen C0271093, MONDO:0019353.
MACULAR DEGENERATION, AGE-RELATED, 2, SUSCEPTIBILITY TO.
Retinal disorder. Also called: Retinopathies; Retinal Diseases; Retinal disorders; Retinopathy. Identifiers: MedGen C0035309, MONDO:0005283, HP:0000488.

Allele frequency attached by ClinVar (database versions not stated): gnomAD exomes 0.00029 and 0.00024; ExAC 0.00020; gnomAD 0.00023 and 0.00025; TOPMed 0.00020.
gnomAD v4.1: 466 of 1,613,962 alleles (0.029%); highest among the groups gnomAD compares: Non-Finnish European, 0.031%; no homozygotes.

Submissions 1 to 9 of 29:

ClinGen ABCA4 Variant Curation Expert Panel, Clingen
Classification: Pathogenic for ABCA4-related retinopathy. Last evaluated: 2025-12-05. Review status: reviewed by expert panel. Criteria: ClinGen ABCA4 ACMG Specifications V1.0.0. Collection method: curation. Allele origin: germline. Inheritance: Autosomal recessive inheritance.
Comment: The NM_000350.3(ABCA4):c.4139C>T variant in ABCA4 is a missense variant predicted to cause substitution of proline by leucine at amino acid 1380 (p.Pro1380Leu). The computational predictor REVEL gives a score of 0.867 which is above the threshold of >0.772 meeting PP3_Moderate. The prevalence of the variant in affected individuals is significantly increased compared with the prevalence in controls with an OR = 114.7 and the CI is 76.81-177.05, which is above the ABCA4 VCEP threshold of >5, where the CI does not contain 1 (PS4; PMID: 35120629). This variant has been detected in at least 2 individuals with ABCA4-related retinopathy. At least one reported proband with this variant met criteria for the ABCA4-related retinopathy phenotype (PP4; PMID: 10396622). Both individuals were homozygous for the variant (PM3; PMIDs: 19074458, 18854780). The variant has been reported to segregate with ABCA4-related retinopathy in 3 affected meioses across more than 1 family (PP1_Moderate; PMIDs: 10396622, 19074458). In summary, this variant meets the criteria to be classified as pathogenic for ABCA4-related retinopathy based on the ACMG/AMP criteria applied, as specified by the ClinGen ABCA4 VCEP (Specification Version 1.0): PP4, PS4, PM3, PP1_Moderate, PP3_Moderate.

PreventionGenetics, part of Exact Sciences
Classification: Pathogenic for ABCA4-related condition. Last evaluated: 2026-07-20. Review status: criteria provided, single submitter. Criteria: ACMG Guidelines, 2015. Collection method: clinical testing. Allele origin: germline. Not counted in ClinVar's aggregate classification.
Comment: The ABCA4 c.4139C>T variant is predicted to result in the amino acid substitution p.Pro1380Leu. This variant has been reported many times in the homozygous and compound heterozygous states in individuals with ABCA4-related retinal disease (see for examples: Lewis et al. 1999. PubMed ID: 9973280; Oh et al. 2004. PubMed ID: 15579991; Table S1, Weisschuh et al. 2020. PubMed ID: 32531858; Table S1, Lin et al. 2024. PubMed ID: 38219857). This variant is reported in 0.23% of alleles in individuals of Ashkenazi Jewish descent in gnomAD, indicating it is relatively common in this population. This variant is interpreted as pathogenic.

Labcorp Genetics (formerly Invitae), Labcorp
Classification: Pathogenic. Last evaluated: 2026-01-12. Review status: criteria provided, single submitter. Criteria: Invitae Variant Classification Sherloc (09022015). Collection method: clinical testing. Allele origin: germline. Not counted in ClinVar's aggregate classification.
Comment: This sequence change replaces proline, which is neutral and non-polar, with leucine, which is neutral and non-polar, at codon 1380 of the ABCA4 protein (p.Pro1380Leu). This variant is present in population databases (rs61750130, gnomAD 0.2%). This missense change has been observed in individual(s) with Stargardt disease (PMID: 9973280, 28559085). In at least one individual the data is consistent with being in trans (on the opposite chromosome) from a pathogenic variant. It has also been observed to segregate with disease in related individuals. ClinVar contains an entry for this variant (Variation ID: 7904). Invitae Evidence Modeling of protein sequence and biophysical properties (such as structural, functional, and spatial information, amino acid conservation, physicochemical variation, residue mobility, and thermodynamic stability) indicates that this missense variant is expected to disrupt ABCA4 protein function with a positive predictive value of 95%. Experimental studies have shown that this missense change affects ABCA4 function (PMID: 11017087). For these reasons, this variant has been classified as Pathogenic.

Genetics Laboratory, Great Ormond Street Hospital NHS Foundation Trust, North Thames Genomic Laboratory Hub
Classification: Likely pathogenic for Retinal disorders. Last evaluated: 2025-09-15. Review status: criteria provided, single submitter. Criteria: ACGS Best Practice Guidelines for Variant Classification in Rare Disease 2024 v1.2. Collection method: clinical testing. Allele origin: germline. Affected: yes. Not counted in ClinVar's aggregate classification.
Comment: PM2_moderate, PP3_supporting, PM3_strong

Variantyx, Inc.
Classification: Pathogenic for Severe early-childhood-onset retinal dystrophy. Last evaluated: 2025-09-09. Review status: criteria provided, single submitter. Criteria: Variantyx Assertion Criteria 2022. Collection method: clinical testing. Allele origin: germline. Inheritance: Autosomal recessive inheritance. Not counted in ClinVar's aggregate classification.
Comment: This is a nonsynonymous variant in the ABCA4 gene (OMIM: 601691). Pathogenic variants in this gene have been associated with autosomal recessive Stargardt disease 1. This variant has been reported in the homozygous or compound heterozygous state in many unrelated affected individuals (PMID: 10396622, 9973280, 19074458, 28559085, 18854780) (PM3_Very_Strong) and observed to segregate with disease in at least two individuals from one family (PMID: 10396622 ) (PP1). Functional studies have shown that this variant alters ABCA4 protein function (PMID: 33375396) (PS3_Supporting), and multiple computational algorithms predict a deleterious effect for this variant (REVEL score: 0.867) (PP3_Moderate). This variant has a 0.0306% maximum allele frequency in non-founder control populations (PM2_Supporting). Based on the current evidence, this variant is classified as pathogenic for autosomal recessive Stargardt disease 1.

First Genomix Gene Laboratory, Genetic Diagnostics Department
Classification: Pathogenic for Cone-rod dystrophy 3; Severe early-childhood-onset retinal dystrophy; Retinitis pigmentosa 19. Last evaluated: 2025-05-22. Review status: criteria provided, single submitter. Criteria: ACMG Guidelines, 2015. Collection method: clinical testing. Allele origin: germline. Inheritance: Autosomal recessive inheritance. Affected: no. Observed: 1 variant allele. Not counted in ClinVar's aggregate classification.

Blueprint Genetics
Classification: Pathogenic for ABCA4-related disorders. Last evaluated: 2024-11-15. Review status: criteria provided, single submitter. Criteria: ACMG Guidelines, 2015. Collection method: clinical testing. Allele origin: germline. Affected: yes. Observed: 5 variant alleles. Not counted in ClinVar's aggregate classification.

Fulgent Genetics
Classification: Pathogenic for Age related macular degeneration 2; Severe early-childhood-onset retinal dystrophy; Retinitis pigmentosa 19; Cone-rod dystrophy 3. Last evaluated: 2024-06-14. Review status: criteria provided, single submitter. Criteria: ACMG Guidelines, 2015. Collection method: clinical testing. Allele origin: germline. Not counted in ClinVar's aggregate classification.

Ophthalmic Genetics Group, Institute of Molecular and Clinical Ophthalmology Basel
Classification: Pathogenic for Stargardt disease. Last evaluated: 2023-07-24. Review status: criteria provided, single submitter. Criteria: ACMG Guidelines, 2015. Collection method: research. Allele origin: germline. Affected: yes. Observed: 1 variant allele. Not counted in ClinVar's aggregate classification.
Comment: Clinical significance based on ACMG v2.0

This variant was classified as Pathogenic based on ACMG criteria: PS4, PM1, PP2, PM2, PM5, PP3, PP5.